The following is an entry in ClinVar:

ClinVar aggregate classification (germline): Benign. Review status: criteria provided, multiple submitters, no conflicts (2 of 4 stars). 2 submissions from 2 submitters: Benign (2). Last evaluated 2018-01-13.

Conditions:
Hermansky-Pudlak syndrome 2 (HPS2). Also called: Platelet defects and oculocutaneous albinism. Identifiers: Orphanet 183678, Orphanet 79430, MedGen C1842362, MONDO:0011997, OMIM 608233.

Allele frequency attached by ClinVar (database versions not stated): ESP Exome Variant Server 0.00115; gnomAD 0.00174 and 0.00192; gnomAD exomes 0.00176 and 0.00392; TOPMed 0.00295; ExAC 0.00331; 1000 Genomes Project 30x 0.00344; 1000 Genomes Project 0.00379.
gnomAD v4.1: 2,864 of 1,612,760 alleles (0.18%); highest among the groups gnomAD compares: Admixed American, 1.8%; 21 homozygotes.

Submissions (2):

Illumina Laboratory Services, Illumina
Classification: Benign for Hermansky-Pudlak syndrome 2. Last evaluated: 2018-01-13. Review status: criteria provided, single submitter. Criteria: ICSL Variant Classification Criteria 13 December 2019. Collection method: clinical testing. Allele origin: germline.
Comment: This variant was observed in the ICSL laboratory as part of a predisposition screen in an ostensibly healthy population. It had not been previously curated by ICSL or reported in the Human Gene Mutation Database (HGMD: prior to June 1st, 2018), and was therefore a candidate for classification through an automated scoring system. Utilizing variant allele frequency, disease prevalence and penetrance estimates, and inheritance mode, an automated score was calculated to assess if this variant is too frequent to cause the disease. Based on the score and internal cut-off values, a variant classified as benign is not then subjected to further curation. The score for this variant resulted in a classification of benign for this disease.

Breakthrough Genomics
Classification: Benign. Review status: criteria provided, single submitter. Criteria: ACMG Guidelines, 2015. Collection method: not provided. Allele origin: germline. Inheritance: Autosomal recessive inheritance. Affected: yes.

NM_003664.5(AP3B1):c.*44G>A

Gene: AP3B1 (adaptor related protein complex 3 subunit beta 1; minus strand). Cytogenetic location: 5q14.1.
Variant type: single nucleotide variant.
Coding change: c.*44G>A on transcript NM_003664.5 (MANE Select); 44 bases downstream of the stop codon, G replaced by A.
Molecular consequence: 3 prime UTR variant.
Genome position (GRCh38, 1-based): chr5:78,002,858, C>T on the plus strand (G>A on the coding strand, the complement: AP3B1 is on the minus strand). VCF-style: chr5-78002858-C-T. GRCh37 (hg19) VCF-style: chr5-77298682-C-T.
Other names: c.*44G>A (NM_001271769.2).
Identifiers: ClinVar variation 906459 (VCV000906459.5), dbSNP rs182487478, ClinGen allele CA3316511.